The following is an entry in ClinVar:

NM_001278512.2(AP3B2):c.360G>A (p.Lys120=)

Genes: AP3B2 (adaptor related protein complex 3 subunit beta 2; minus strand), CPEB1-AS1 (CPEB1 antisense RNA 1; plus strand). Cytogenetic location: 15q25.2.
Variant type: single nucleotide variant.
Coding change: c.360G>A on transcript NM_001278512.2 (MANE Select); coding-DNA position 360, G replaced by A.
Protein change: p.Lys120=; no amino-acid change (lysine 120 retained).
Molecular consequence: synonymous variant. On other transcripts: intron variant (1).
Genome position (GRCh38, 1-based): chr15:82,688,736, C>T on the plus strand (G>A on the coding strand, the complement: AP3B2 is on the minus strand). VCF-style: chr15-82688736-C-T. GRCh37 (hg19) VCF-style: chr15-83357488-C-T.
Other names: c.360G>A, p.Lys120= (NM_001348440.2, NM_004644.5); c.264+422G>A (NM_001278511.2).
Identifiers: ClinVar variation 1382332 (VCV001382332.6), dbSNP rs2151448780, ClinGen allele CA491782253.

ClinVar aggregate classification (germline): Uncertain significance (1 of 4 stars; one submission).

gnomAD v4.1: 1 of 1,610,378 alleles (0.000062%); highest among the groups gnomAD compares: Non-Finnish European, 0.000085%; no homozygotes.

Submission:

Labcorp Genetics (formerly Invitae), Labcorp
Classification: Uncertain significance. Last evaluated: 2022-09-01. Review status: criteria provided, single submitter. Criteria: Invitae Variant Classification Sherloc (09022015). Collection method: clinical testing. Allele origin: germline.
Comment: ClinVar contains an entry for this variant (Variation ID: 1382332). Variants that disrupt the consensus splice site are a relatively common cause of aberrant splicing (PMID: 17576681, 9536098). Algorithms developed to predict the effect of sequence changes on RNA splicing suggest that this variant may disrupt the consensus splice site. In summary, the available evidence is currently insufficient to determine the role of this variant in disease. Therefore, it has been classified as a Variant of Uncertain Significance. This variant has not been reported in the literature in individuals affected with AP3B2-related conditions. This sequence change affects codon 120 of the AP3B2 mRNA. It is a 'silent' change, meaning that it does not change the encoded amino acid sequence of the AP3B2 protein. This variant also falls at the last nucleotide of exon 4, which is part of the consensus splice site for this exon. This variant is not present in population databases (gnomAD no frequency).

Literature cited by the submitters: PubMed 17576681; PubMed 9536098.